The following is an entry in ClinVar:

ClinVar aggregate classification (germline): Uncertain significance (1 of 4 stars; one submission).

Conditions:
Ehlers-Danlos syndrome, classic type, 1 (EDSCL1). Also called: EHLERS-DANLOS SYNDROME, GRAVIS TYPE; EHLERS-DANLOS SYNDROME, SEVERE CLASSIC TYPE; Ehlers-Danlos syndrome, type 1; Ehlers-Danlos Syndrome, Classic Type, COL5A1-Related; EDS I. Identifiers: MedGen C0268335, MONDO:0019567, OMIM 130000.

Submission:

Labcorp Genetics (formerly Invitae), Labcorp
Classification: Uncertain significance for Ehlers-Danlos syndrome, classic type, 1. Last evaluated: 2024-01-26. Review status: criteria provided, single submitter. Criteria: Invitae Variant Classification Sherloc (09022015). Collection method: clinical testing. Allele origin: germline.
Comment: This sequence change replaces proline, which is neutral and non-polar, with arginine, which is basic and polar, at codon 930 of the COL5A1 protein (p.Pro930Arg). This variant is not present in population databases (gnomAD no frequency). This variant has not been reported in the literature in individuals affected with COL5A1-related conditions. Advanced modeling of protein sequence and biophysical properties (such as structural, functional, and spatial information, amino acid conservation, physicochemical variation, residue mobility, and thermodynamic stability) performed at Invitae indicates that this missense variant is not expected to disrupt COL5A1 protein function with a negative predictive value of 95%. In summary, the available evidence is currently insufficient to determine the role of this variant in disease. Therefore, it has been classified as a Variant of Uncertain Significance.

NM_000093.5(COL5A1):c.2789C>G (p.Pro930Arg)

Gene: COL5A1 (collagen type V alpha 1 chain; plus strand). Cytogenetic location: 9q34.3.
Variant type: single nucleotide variant.
Coding change: c.2789C>G on transcript NM_000093.5 (MANE Select); coding-DNA position 2789, C replaced by G.
Protein change: p.Pro930Arg; replaces proline 930 with arginine.
Molecular consequence: missense variant.
Genome position (GRCh38, 1-based): chr9:134,795,305, C>G. VCF-style: chr9-134795305-C-G. GRCh37 (hg19) VCF-style: chr9-137687151-C-G.
Other names: c.2789C>G, p.Pro930Arg (NM_001278074.1); short protein forms P930R.
Identifiers: ClinVar variation 2796261 (VCV002796261.3), dbSNP rs2490762741, ClinGen allele CA375456685.